The following is an entry in ClinVar:

ClinVar aggregate classification (germline): Uncertain significance (1 of 4 stars; one submission).

gnomAD v4.1: 5 of 1,613,090 alleles (0.00031%); highest among the groups gnomAD compares: South Asian, 0.0022%; no homozygotes.

Submission:

Mayo Clinic Laboratories, Mayo Clinic
Classification: Uncertain significance. Last evaluated: 2025-09-27. Review status: criteria provided, single submitter. Criteria: ACMG Guidelines, 2015. Collection method: clinical testing. Allele origin: germline. Observed: 1 variant allele.
Comment: BP4_moderate, PM2_supporting

NM_198252.3(GSN):c.1681G>A (p.Glu561Lys)

Gene: GSN (gelsolin; plus strand). Cytogenetic location: 9q33.2.
Variant type: single nucleotide variant.
Coding change: c.1681G>A on transcript NM_198252.3 (MANE Select); coding-DNA position 1681, G replaced by A.
Protein change: p.Glu561Lys; replaces glutamic acid 561 with lysine.
Molecular consequence: missense variant.
Genome position (GRCh38, 1-based): chr9:121,327,401, G>A. VCF-style: chr9-121327401-G-A. GRCh37 (hg19) VCF-style: chr9-124089679-G-A.
Other names: p.Glu612Lys; c.1714G>A, p.Glu572Lys (NM_001353070.2, NM_001353071.2, NM_001353072.2 and 13 more transcripts); c.1753G>A, p.Glu585Lys (NM_001353076.2); c.1027G>A, p.Glu343Lys (NM_001353078.2); c.1732G>A, p.Glu578Lys (NM_001258029.2); c.1705G>A, p.Glu569Lys (NM_001258030.2); c.1681G>A, p.Glu561Lys (NM_001353053.1, NM_001353054.1, NM_001353055.2 and 10 more transcripts); c.1834G>A, p.Glu612Lys (NM_000177.5); and 1 more; short protein forms E578K, E561K, E612K, E343K, E569K, E572K, E585K, E597K.
Identifiers: ClinVar variation 4541467 (VCV004541467.1).